The following is an entry in ClinVar:

ClinVar aggregate classification (germline): Benign (1 of 4 stars; one submission).

Submission:

GeneDx
Classification: Benign. Last evaluated: 2018-06-18. Review status: criteria provided, single submitter. Criteria: GeneDx Variant Classification (06012015). Collection method: clinical testing. Allele origin: germline. Affected: yes.
Comment: This variant is considered likely benign or benign based on one or more of the following criteria: it is a conservative change, it occurs at a poorly conserved position in the protein, it is predicted to be benign by multiple in silico algorithms, and/or has population frequency not consistent with disease.

NM_001127222.2(CACNA1A):c.3989+206del

Genes: CACNA1A (calcium voltage-gated channel subunit alpha1 A; minus strand), LOC126862865 (CDK7 strongly-dependent group 2 enhancer GRCh37_chr19:13385818-13387017; plus strand). Cytogenetic location: 19p13.13.
Variant type: Deletion.
Coding change: c.3989+206del on transcript NM_001127222.2 (MANE Select); 206 bases into the intron after coding-DNA position 3989, one base deleted (C; older notation c.3989+206delC).
Molecular consequence: intron variant.
Genome position (GRCh38, 1-based): chr19:13,275,644, G deleted on the plus strand (C on the coding strand, the reverse complement: CACNA1A is on the minus strand); the first of 7 consecutive G bases (chr19:13,275,644-13,275,650); deleting any one gives the same sequence. VCF-style (leftmost placement, unchanged base first): chr19-13275643-AG-A. GRCh37 (hg19) VCF-style: chr19-13386457-AG-A.
Other names: c.3992+206del (NM_001127221.2, NM_001174080.2); c.4001+206del (NM_000068.4, NM_023035.3).
Identifiers: ClinVar variation 680065 (VCV000680065.1), dbSNP rs34873095, ClinGen allele CA305556208.
Genomic context (GRCh38, chr19:13,275,643, plus strand): 5'-CAAGGGGCCAGTGATGTGGCTGAGGCCCGTTGCTGTGTGAGGAGGTAGAAGGTTGGCAGG[AG>A]GGGGGGTCCCTTCTCCTTCTTCCTCCATGGACATCATGCAAAAAGCCATCGAAGCTCTTC-3'